The following is an entry in ClinVar:

ClinVar aggregate classification (germline): Uncertain significance (1 of 4 stars; one submission).

Conditions:
Inborn genetic diseases. Identifiers: MedGen C0950123, MeSH D030342.

Submission:

Ambry Genetics
Classification: Uncertain significance for Inborn genetic diseases. Last evaluated: 2026-08-11. Review status: criteria provided, single submitter. Criteria: Ambry Variant Classification Scheme 2023. Collection method: clinical testing. Allele origin: germline.
Comment: The p.T56A variant (also known as c.166A>G), located in coding exon 2 of the USB1 gene, results from an A to G substitution at nucleotide position 166. The threonine at codon 56 is replaced by alanine, an amino acid with similar properties. This amino acid position is conserved. In addition, this alteration is predicted to be tolerated by in silico analysis. Based on the available evidence, the clinical significance of this variant remains unclear.

NM_024598.4(USB1):c.166A>G (p.Thr56Ala)

Gene: USB1 (U6 snRNA biogenesis phosphodiesterase 1; plus strand). Cytogenetic location: 16q21.
Variant type: single nucleotide variant.
Coding change: c.166A>G on transcript NM_024598.4 (MANE Select); coding-DNA position 166, A replaced by G.
Protein change: p.Thr56Ala; replaces threonine 56 with alanine.
Molecular consequence: missense variant.
Genome position (GRCh38, 1-based): chr16:58,002,546, A>G. VCF-style: chr16-58002546-A-G. GRCh37 (hg19) VCF-style: chr16-58036450-A-G.
Other names: c.166A>G, p.Thr56Ala (NM_001195302.2, NM_001204911.2, NM_001330569.2); c.13A>G, p.Thr5Ala (NM_001330568.2); short protein forms T56A, T5A.
Identifiers: ClinVar variation 5031619 (VCV005031619.1).